The following is an entry in ClinVar:

ClinVar aggregate classification (germline): Uncertain significance (1 of 4 stars; one submission).

Conditions:
Inborn genetic diseases. Identifiers: MedGen C0950123, MeSH D030342.

gnomAD v4.1: 16 of 1,613,818 alleles (0.00099%); highest among the groups gnomAD compares: Non-Finnish European, 0.0014%; no homozygotes.

Submission:

Ambry Genetics
Classification: Uncertain significance for Inborn genetic diseases. Last evaluated: 2025-04-10. Review status: criteria provided, single submitter. Criteria: Ambry Variant Classification Scheme 2023. Collection method: clinical testing. Allele origin: germline.
Comment: The p.S1005T variant (also known as c.3014G>C), located in coding exon 1 of the SAMD9 gene, results from a G to C substitution at nucleotide position 3014. The serine at codon 1005 is replaced by threonine, an amino acid with similar properties. This amino acid position is conserved. In addition, this alteration is predicted to be tolerated by in silico analysis. Based on the available evidence, the clinical significance of this variant remains unclear.

NM_017654.4(SAMD9):c.3014G>C (p.Ser1005Thr)

Gene: SAMD9 (sterile alpha motif domain containing 9; minus strand). Cytogenetic location: 7q21.2.
Variant type: single nucleotide variant.
Coding change: c.3014G>C on transcript NM_017654.4 (MANE Select); coding-DNA position 3014, G replaced by C.
Protein change: p.Ser1005Thr; replaces serine 1005 with threonine.
Molecular consequence: missense variant.
Genome position (GRCh38, 1-based): chr7:93,103,084, C>G on the plus strand (G>C on the coding strand, the complement: SAMD9 is on the minus strand). VCF-style: chr7-93103084-C-G. GRCh37 (hg19) VCF-style: chr7-92732397-C-G.
Other names: c.3014G>C, p.Ser1005Thr (NM_001193307.2); short protein forms S1005T.
Identifiers: ClinVar variation 3949536 (VCV003949536.1).
Genomic context (GRCh38, chr7:93,103,084, plus strand): 5'-CTTTTTCCCATACCAGTATCGAAGAACAAATTCTCAGTTAGCATATCCAACATAATTTGA[C>G]TTTTATTCAGGTGATAGCTTTTCTTCAATTCTTCCAGTGAGAACTCTGCAATCAAAGAGT-3'
Protein context (NP_060124.2, residues 995-1015): ELKKSYHLNK[Ser1005Thr]QIMLDMLTEN